The following is an entry in ClinVar:

NM_020822.3(KCNT1):c.1189C>T (p.Pro397Ser)

Gene: KCNT1 (potassium sodium-activated channel subfamily T member 1; plus strand). Cytogenetic location: 9q34.3.
Variant type: single nucleotide variant.
Coding change: c.1189C>T on transcript NM_020822.3 (MANE Select); coding-DNA position 1189, C replaced by T.
Protein change: p.Pro397Ser; replaces proline 397 with serine.
Molecular consequence: missense variant.
Genome position (GRCh38, 1-based): chr9:135,765,184, C>T. VCF-style: chr9-135765184-C-T. GRCh37 (hg19) VCF-style: chr9-138657030-C-T.
Other names: c.1054C>T, p.Pro352Ser (NM_001272003.2); short protein forms P352S, P397S.
Identifiers: ClinVar variation 1415001 (VCV001415001.8), dbSNP rs2131474528, ClinGen allele CA375500720.

ClinVar aggregate classification (germline): Uncertain significance (1 of 4 stars; one submission).

Conditions:
Developmental and epileptic encephalopathy, 14 (DEE14). Also called: Early infantile epileptic encephalopathy 14. Identifiers: Orphanet 293181, MedGen C3554195, MONDO:0013989, OMIM 614959.
Autosomal dominant nocturnal frontal lobe epilepsy 5. Also called: KCNT1-Related Epilepsy; CILIARY DYSKINESIA, PRIMARY, 28, WITH SITUS INVERSUS; Epilepsy, nocturnal frontal lobe, 5; CILIARY DYSKINESIA, PRIMARY, 28, WITHOUT SITUS INVERSUS. Identifiers: Orphanet 98784, MedGen C3554306, MONDO:0014002, OMIM 615005.

Submission:

Labcorp Genetics (formerly Invitae), Labcorp
Classification: Uncertain significance for Autosomal dominant nocturnal frontal lobe epilepsy 5; Developmental and epileptic encephalopathy, 14. Last evaluated: 2021-04-23. Review status: criteria provided, single submitter. Criteria: Invitae Variant Classification Sherloc (09022015). Collection method: clinical testing. Allele origin: germline.
Comment: This sequence change replaces proline with serine at codon 397 of the KCNT1 protein (p.Pro397Ser). The proline residue is highly conserved and there is a moderate physicochemical difference between proline and serine. In summary, the available evidence is currently insufficient to determine the role of this variant in disease. Therefore, it has been classified as a Variant of Uncertain Significance. Algorithms developed to predict the effect of missense changes on protein structure and function are either unavailable or do not agree on the potential impact of this missense change (SIFT: "Deleterious"; PolyPhen-2: "Benign"; Align-GVGD: "Class C0"). This variant has not been reported in the literature in individuals with KCNT1-related conditions. This variant is not present in population databases (ExAC no frequency).